The following is an entry in ClinVar:

ClinVar aggregate classification (germline): Uncertain significance. Review status: criteria provided, multiple submitters, no conflicts (2 of 4 stars). 2 submissions from 2 submitters: Uncertain significance (2). Last evaluated 2025-11-26.

Conditions:
Inborn genetic diseases. Identifiers: MedGen C0950123, MeSH D030342.

gnomAD v4.1: 19 of 1,613,924 alleles (0.0012%); highest among the groups gnomAD compares: Non-Finnish European, 0.0016%; no homozygotes.

Submissions (2):

Women's Health and Genetics/Laboratory Corporation of America, LabCorp
Classification: Uncertain significance. Last evaluated: 2025-11-26. Review status: criteria provided, single submitter. Criteria: LabCorp Variant Classification Summary - May 2015. Collection method: clinical testing. Allele origin: germline.
Comment: Variant summary: HPD c.835C>T (p.Arg279Cys) results in a non-conservative amino acid change in the encoded protein sequence. Algorithms developed to predict the effect of missense changes on protein structure and function are either unavailable or do not agree on the potential impact of this missense change. The variant allele was found at a frequency of 4e-06 in 251446 control chromosomes. The available data on variant occurrences in the general population are insufficient to allow any conclusion about variant significance. To our knowledge, no occurrence of c.835C>T in individuals affected with HPD-related conditions and no experimental evidence demonstrating its impact on protein function have been reported. ClinVar contains an entry for this variant (Variation ID: 4271986). Based on the evidence outlined above, the variant was classified as uncertain significance.

Ambry Genetics
Classification: Uncertain significance for Inborn genetic diseases. Last evaluated: 2025-08-29. Review status: criteria provided, single submitter. Criteria: Ambry Variant Classification Scheme 2023. Collection method: clinical testing. Allele origin: germline.

NM_002150.3(HPD):c.835C>T (p.Arg279Cys)

Genes: HPD (4-hydroxyphenylpyruvate dioxygenase; minus strand), TIALD (transcript inducer of AURKA lysosomal degradation; plus strand). Cytogenetic location: 12q24.31.
Variant type: single nucleotide variant.
Coding change: c.835C>T on transcript NM_002150.3 (MANE Select); coding-DNA position 835, C replaced by T.
Protein change: p.Arg279Cys; replaces arginine 279 with cysteine.
Molecular consequence: missense variant.
Genome position (GRCh38, 1-based): chr12:121,843,829, G>A on the plus strand (C>T on the coding strand, the complement: HPD is on the minus strand). VCF-style: chr12-121843829-G-A. GRCh37 (hg19) VCF-style: chr12-122281735-G-A.
Other names: c.718C>T, p.Arg240Cys (NM_001171993.2); short protein forms R279C, R240C.
Identifiers: ClinVar variation 4271986 (VCV004271986.2).
Genomic context (GRCh38, chr12:121,843,829, plus strand): 5'-GTTGTTTGTAGTACGTGGAGGGAACAGATAAGAACTCCAGGCCTCTCTCTCTCAAGTGGC[G>A]AATCTGTTTCAGAGCAAAGCTGAGGTCAGCCTTCGGCCTCCAAGTTCAACTCCCCTAGCC-3'
Protein context (NP_002141.2, residues 269-289): LKTEDIITAI[Arg279Cys]HLRERGLEFL